The following is an entry in ClinVar:

ClinVar aggregate classification (germline): Conflicting classifications of pathogenicity. Review status: criteria provided, conflicting classifications (1 of 4 stars). 3 submissions from 3 submitters: Uncertain significance (1); Likely benign (2). Last evaluated 2025-05-11.

Conditions:
Cardiomyopathy (CMYO). Also called: Cardiomyopathies. Identifiers: Orphanet 167848, MedGen C0878544, MONDO:0004994, HP:0001638. Inheritance: Various modes of inheritance.
Arrhythmogenic right ventricular cardiomyopathy (ARVD). Also called: Arrhythmogenic cardiomyopathy; Cardiomyopathy, ARVC; Arrhythmogenic right ventricular dysplasia; Arrhythmogenic Right Ventricular Cardiomyopathy (ARVC). Identifiers: Orphanet 247, MedGen C0349788, MeSH D019571, MONDO:0016587. Disease mechanism: loss of function. Inheritance: Various modes of inheritance.
Arrhythmogenic right ventricular dysplasia 10. Also called: Arrhythmogenic Right Ventricular Dysplasia/Cardiomyopathy10; ARRHYTHMOGENIC RIGHT VENTRICULAR DYSPLASIA, FAMILIAL, 10; Arrhythmogenic right ventricular dysplasia/cardiomyopathy, type 10. Identifiers: MedGen C1857777, MONDO:0012434, OMIM 610193.

Allele frequency attached by ClinVar (database versions not stated): gnomAD 0.00001; gnomAD exomes 0.00001; TOPMed 0.00002.
gnomAD v4.1: 16 of 1,614,054 alleles (0.00099%); highest among the groups gnomAD compares: South Asian, 0.0055%; no homozygotes.

Submissions (3):

Labcorp Genetics (formerly Invitae), Labcorp
Classification: Uncertain significance for Arrhythmogenic right ventricular dysplasia 10. Last evaluated: 2025-05-11. Review status: criteria provided, single submitter. Criteria: Invitae Variant Classification Sherloc (09022015). Collection method: clinical testing. Allele origin: germline.
Comment: This sequence change replaces alanine, which is neutral and non-polar, with threonine, which is neutral and polar, at codon 735 of the DSG2 protein (p.Ala735Thr). This variant is present in population databases (no rsID available, gnomAD 0.003%). This variant has not been reported in the literature in individuals affected with DSG2-related conditions. ClinVar contains an entry for this variant (Variation ID: 926922). Invitae Evidence Modeling of protein sequence and biophysical properties (such as structural, functional, and spatial information, amino acid conservation, physicochemical variation, residue mobility, and thermodynamic stability) indicates that this missense variant is not expected to disrupt DSG2 protein function with a negative predictive value of 95%. In summary, the available evidence is currently insufficient to determine the role of this variant in disease. Therefore, it has been classified as a Variant of Uncertain Significance.

Color Diagnostics, LLC DBA Color Health
Classification: Likely benign for Cardiomyopathy. Last evaluated: 2024-08-29. Review status: criteria provided, single submitter. Criteria: ACMG Guidelines, 2015. Collection method: clinical testing. Allele origin: germline.

All of Us Research Program, National Institutes of Health
Classification: Likely benign for Arrhythmogenic right ventricular cardiomyopathy. Last evaluated: 2023-12-13. Review status: criteria provided, single submitter. Criteria: ACMG Guidelines, 2015. Collection method: clinical testing. Allele origin: germline. Inheritance: Autosomal dominant inheritance. Observed: 4 variant alleles, 4 heterozygotes.
Comment: This study involves interpretation of variants in research participants for the purpose of population health screening. Participant phenotype was not available at the time of variant classification. Additional details can be found in publication PMID: 35346344, PMCID: PMC8962531

NM_001943.5(DSG2):c.2203G>A (p.Ala735Thr)

Genes: DSG2 (desmoglein 2; plus strand), DSG2-AS1 (DSG2 antisense RNA 1; minus strand). Cytogenetic location: 18q12.1.
Variant type: single nucleotide variant.
Coding change: c.2203G>A on transcript NM_001943.5 (MANE Select); coding-DNA position 2203, G replaced by A.
Protein change: p.Ala735Thr; replaces alanine 735 with threonine.
Molecular consequence: missense variant.
Genome position (GRCh38, 1-based): chr18:31,542,721, G>A. VCF-style: chr18-31542721-G-A. GRCh37 (hg19) VCF-style: chr18-29122684-G-A.
Other names: short protein forms A735T.
Identifiers: ClinVar variation 926922 (VCV000926922.8), dbSNP rs1179912383, ClinGen allele CA402142510.
Genomic context (GRCh38, chr18:31,542,721, plus strand): 5'-GATGGAAGGTGGGAAGAACACAGAAGCCTGCTTTCTGGTAGAGCTACCCAGTTTACAGGG[G>A]CCACAGGCGCTATCATGACCACTGAAACCACGAAGACCGCAAGGGCCACAGGGGCTTCCA-3'
Protein context (NP_001934.2, residues 725-745): LSGRATQFTG[Ala735Thr]TGAIMTTETT